The following is an entry in ClinVar:

NM_054027.6(ANKH):c.1293C>T (p.Gly431=)

Genes: ANKH (ANKH inorganic pyrophosphate transport regulator; minus strand), OTULIN (OTU deubiquitinase with linear linkage specificity; plus strand), LOC100130744 (uncharacterized LOC100130744; plus strand). Cytogenetic location: 5p15.2.
Variant type: single nucleotide variant.
Coding change: c.1293C>T on transcript NM_054027.6 (MANE Select); coding-DNA position 1293, C replaced by T.
Protein change: p.Gly431=; no amino-acid change (glycine 431 retained).
Molecular consequence: synonymous variant. On other transcripts: non-coding transcript variant (1).
Genome position (GRCh38, 1-based): chr5:14,712,946, G>A on the plus strand (C>T on the coding strand, the complement: ANKH is on the minus strand). VCF-style: chr5-14712946-G-A. GRCh37 (hg19) VCF-style: chr5-14713055-G-A.
Identifiers: ClinVar variation 3239592 (VCV003239592.19), dbSNP rs759782902.

ClinVar aggregate classification (germline): Likely benign (1 of 4 stars; one submission).

gnomAD v4.1: 1 of 1,613,466 alleles (0.000062%); highest among the groups gnomAD compares: Non-Finnish European, 0.000085%; no homozygotes.

Submission:

CeGaT Center for Human Genetics Tuebingen
Classification: Likely benign. Last evaluated: 2024-05-01. Review status: criteria provided, single submitter. Criteria: CeGaT Center For Human Genetics Tuebingen Variant Classification Criteria Version 2. Collection method: clinical testing. Allele origin: germline. Affected: yes. Observed: 1 variant allele.
Comment: ANKH: PM2:Supporting, BP4, BP7